The following is an entry in ClinVar:

ClinVar aggregate classification (germline): Uncertain significance (1 of 4 stars; one submission).

Conditions:
Primary familial hypertrophic cardiomyopathy (HCM). Identifiers: Orphanet 99739, MedGen C0949658, MeSH D024741, MONDO:0024573. Inheritance: Various modes of inheritance.

Allele frequency attached by ClinVar (database versions not stated): gnomAD 0.00001; ExAC 0.00002; gnomAD exomes 0.00002 and 0.00006; TOPMed 0.00002.
gnomAD v4.1: 80 of 1,614,108 alleles (0.005%); highest among the groups gnomAD compares: Non-Finnish European, 0.0066%; no homozygotes.

Submissions (2):

Labcorp Genetics (formerly Invitae), Labcorp
Classification: Uncertain significance for Primary familial hypertrophic cardiomyopathy. Last evaluated: 2025-11-23. Review status: criteria provided, single submitter. Criteria: Invitae Variant Classification Sherloc (09022015). Collection method: clinical testing. Allele origin: germline.
Comment: This sequence change falls in intron 12 of the ILK gene. It does not directly change the encoded amino acid sequence of the ILK protein. It affects a nucleotide within the consensus splice site. This variant is present in population databases (rs748640419, gnomAD 0.005%). This variant has not been reported in the literature in individuals affected with ILK-related conditions. ClinVar contains an entry for this variant (Variation ID: 1419062). Variants that disrupt the consensus splice site are a relatively common cause of aberrant splicing (PMID: 17576681, 9536098). Algorithms developed to predict the effect of sequence changes on RNA splicing suggest that this variant may disrupt the consensus splice site. In summary, the available evidence is currently insufficient to determine the role of this variant in disease. Therefore, it has been classified as a Variant of Uncertain Significance.

Dr. Peter K. Rogan Lab, Western University
No classification provided (evidence only). Condition: Malignant tumor of esophagus. Review status: no classification provided. Collection method: in vitro. Allele origin: not applicable. Functional consequence: retained intron. Not counted in ClinVar's aggregate classification.

Literature cited by the submitters: PubMed 17576681 (cited by Labcorp Genetics (formerly Invitae), Labcorp); PubMed 9536098 (cited by Labcorp Genetics (formerly Invitae), Labcorp).

NM_004517.4(ILK):c.1210-2A>G

Genes: ILK (integrin linked kinase; plus strand), TAF10 (TATA-box binding protein associated factor 10; minus strand). Cytogenetic location: 11p15.4.
Variant type: single nucleotide variant.
Coding change: c.1210-2A>G on transcript NM_004517.4 (MANE Select); the canonical splice acceptor site of the intron before coding-DNA position 1210, A replaced by G.
Molecular consequence: splice acceptor variant. On other transcripts: 3 prime UTR variant (1).
Genome position (GRCh38, 1-based): chr11:6,610,460, A>G. VCF-style: chr11-6610460-A-G. GRCh37 (hg19) VCF-style: chr11-6631691-A-G.
Other names: c.*462T>C (NM_006284.4); c.1210-2A>G (NM_001014795.3, NM_001014794.3); c.1027-2A>G (NM_001278441.2); c.808-2A>G (NM_001278442.2).
Identifiers: ClinVar variation 1419062 (VCV001419062.7), dbSNP rs748640419, ClinGen allele CA5858338.